The following is an entry in ClinVar:

NM_006767.4(LZTR1):c.320+1G>C

Gene: LZTR1 (leucine zipper like post translational regulator 1; plus strand). Cytogenetic location: 22q11.21.
Variant type: single nucleotide variant.
Coding change: c.320+1G>C on transcript NM_006767.4 (MANE Select); the canonical splice donor site of the intron after coding-DNA position 320, G replaced by C.
Molecular consequence: splice donor variant.
Genome position (GRCh38, 1-based): chr22:20,985,898, G>C. VCF-style: chr22-20985898-G-C. GRCh37 (hg19) VCF-style: chr22-21340187-G-C.
Identifiers: ClinVar variation 1333955 (VCV001333955.12), dbSNP rs943939913, ClinGen allele CA410778915.

ClinVar aggregate classification (germline): Likely pathogenic. Review status: criteria provided, multiple submitters, no conflicts (2 of 4 stars). 5 submissions from 5 submitters: Likely pathogenic (5). Last evaluated 2026-10-23.

Conditions:
Cardiovascular phenotype. Identifiers: MedGen CN230736.
Hereditary cancer-predisposing syndrome. Also called: Neoplastic Syndromes, Hereditary; Hereditary Cancer Syndrome; Hereditary neoplastic syndrome; Tumor predisposition. Identifiers: Orphanet 140162, MedGen C0027672, MeSH D009386, MONDO:0015356.
Noonan syndrome 10 (NS10). Identifiers: Orphanet 648, MedGen C4225280, MONDO:0014693, OMIM 616564.
LZTR1-related schwannomatosis. Also called: Schwannomatosis 2; Schwannomatosis-2, susceptibility to. Identifiers: Orphanet 93921, MedGen C3810283, MONDO:0014299, OMIM 615670.

gnomAD v4.1: 5 of 1,614,112 alleles (0.00031%); highest among the groups gnomAD compares: Non-Finnish European, 0.00042%; no homozygotes.

Submissions (5):

GeneDx
Classification: Likely pathogenic. Last evaluated: 2026-10-23. Review status: criteria provided, single submitter. Criteria: GeneDx Variant Classification Process June 2021. Collection method: clinical testing. Allele origin: germline.
Comment: Identified in an individual belonging to a cohort of patients with cardiac anomalies in published literature; this patient also harbored variants in additional genes that may contribute to the phenotype (PMID: 33084842, 40127276); Canonical splice site variant predicted to result in an in-frame loss of the adjacent exon in a gene for which loss of function is a known mechanism of disease; Not observed at significant frequency in large population cohorts (gnomAD); This variant is associated with the following publications: (PMID: 33084842, 40127276)

Ambry Genetics
Classification: Likely pathogenic for Cardiovascular phenotype; Hereditary cancer-predisposing syndrome. Last evaluated: 2025-10-03. Review status: criteria provided, single submitter. Criteria: Ambry Variant Classification Scheme 2023. Collection method: clinical testing. Allele origin: germline.
Comment: The c.320+1G>C intronic variant results from a G to C substitution one nucleotide after coding exon 3 of the LZTR1 gene. This nucleotide position is highly conserved in available vertebrate species. In silico splice site analysis predicts that this alteration will weaken the native splice donor site; however, direct evidence is insufficient at this time (Ambry internal data). The resulting transcript is predicted to be in-frame and is not expected to trigger nonsense-mediated mRNA decay; however, direct evidence is unavailable. The exact functional effect of the altered amino acid sequence is unknown; however, the impacted region is critical for protein function (Ambry internal data). This variant was identified in an individual with congenital heart disease and was absent in controls, although no additional phenotype information was provided for this individual (Morton SU et al. JAMA Cardiol, 2021 Apr;6:457-462). This variant is considered to be rare based on population cohorts in the Genome Aggregation Database (gnomAD). Based on the supporting evidence, this variant is likely pathogenic for an increased risk of LZTR1-related schwannomatosis (SWN) and would be expected to cause autosomal recessive Noonan syndrome when present along with a second pathogenic or likely pathogenic variant on the other allele.

Labcorp Genetics (formerly Invitae), Labcorp
Classification: Likely pathogenic. Last evaluated: 2025-01-12. Review status: criteria provided, single submitter. Criteria: Invitae Variant Classification Sherloc (09022015). Collection method: clinical testing. Allele origin: germline.
Comment: This sequence change affects a donor splice site in intron 3 of the LZTR1 gene. It is expected to disrupt RNA splicing. Variants that disrupt the donor or acceptor splice site typically lead to a loss of protein function (PMID: 16199547), and loss-of-function variants in LZTR1 are known to be pathogenic (PMID: 24362817, 25335493, 25480913, 25795793, 29469822, 30368668, 30442762, 30442766, 30481304, 30859559). This variant is not present in population databases (gnomAD no frequency). This variant has not been reported in the literature in individuals affected with LZTR1-related conditions. ClinVar contains an entry for this variant (Variation ID: 1333955). Algorithms developed to predict the effect of sequence changes on RNA splicing suggest that this variant may disrupt the consensus splice site. In summary, the currently available evidence indicates that the variant is pathogenic, but additional data are needed to prove that conclusively. Therefore, this variant has been classified as Likely Pathogenic.

Baylor Genetics
Classification: Likely pathogenic for LZTR1-related schwannomatosis. Last evaluated: 2024-03-27. Review status: criteria provided, single submitter. Criteria: ACMG Guidelines, 2015. Collection method: clinical testing. Allele origin: unknown.

CENTOGENE GmbH and LLC - Guiding Precision Medicine
Classification: Likely pathogenic for Noonan syndrome 10. Last evaluated: 2019-09-10. Review status: criteria provided, single submitter. Criteria: ACMG Guidelines, 2015. Collection method: clinical testing. Allele origin: germline. Affected: yes.

Literature cited by the submitters: PubMed 33084842 (cited by Ambry Genetics); PubMed 16199547 (cited by Labcorp Genetics (formerly Invitae), Labcorp); PubMed 24362817 (cited by Labcorp Genetics (formerly Invitae), Labcorp); PubMed 25335493 (cited by Labcorp Genetics (formerly Invitae), Labcorp); PubMed 25480913 (cited by Labcorp Genetics (formerly Invitae), Labcorp); PubMed 25795793 (cited by Labcorp Genetics (formerly Invitae), Labcorp); PubMed 29469822 (cited by Labcorp Genetics (formerly Invitae), Labcorp); PubMed 30368668 (cited by Labcorp Genetics (formerly Invitae), Labcorp); PubMed 30442762 (cited by Labcorp Genetics (formerly Invitae), Labcorp); PubMed 30442766 (cited by Labcorp Genetics (formerly Invitae), Labcorp); PubMed 30481304 (cited by Labcorp Genetics (formerly Invitae), Labcorp); PubMed 30859559 (cited by Labcorp Genetics (formerly Invitae), Labcorp).